The following is an entry in ClinVar:

ClinVar aggregate classification (germline): Benign/Likely benign. Review status: criteria provided, multiple submitters, no conflicts (2 of 4 stars). 2 submissions from 2 submitters: Benign (1); Likely benign (1). Last evaluated 2025-09-12.

Conditions:
Melanoma-pancreatic cancer syndrome. Identifiers: Orphanet 404560, MedGen C1838547, MONDO:0011713, OMIM 606719. Disease mechanism: loss of function.

gnomAD v4.1: 139 of 1,555,132 alleles (0.0089%); highest among the groups gnomAD compares: Non-Finnish European, 0.012%; no homozygotes.

Submissions (2):

Myriad Genetics, Inc.
Classification: Benign for Melanoma-pancreatic cancer syndrome. Last evaluated: 2025-09-12. Review status: criteria provided, single submitter. Criteria: Myriad Autosomal Dominant, Autosomal Recessive and X-Linked Classification Criteria (2023). Collection method: clinical testing. Allele origin: unknown.
Comment: This variant is considered benign. This variant is intronic and is not expected to impact mRNA splicing.

Blueprint Genetics
Classification: Likely benign. Last evaluated: 2024-05-27. Review status: criteria provided, single submitter. Criteria: ACMG Guidelines, 2015. Collection method: clinical testing. Allele origin: germline.

NM_000077.5(CDKN2A):c.458-89C>T

Gene: CDKN2A (cyclin dependent kinase inhibitor 2A; minus strand). Cytogenetic location: 9p21.3.
Variant type: single nucleotide variant.
Coding change: c.458-89C>T on transcript NM_000077.5 (MANE Select); 89 bases into the intron before coding-DNA position 458, C replaced by T.
Molecular consequence: intron variant.
Genome position (GRCh38, 1-based): chr9:21,968,331, G>A on the plus strand (C>T on the coding strand, the complement: CDKN2A is on the minus strand). VCF-style: chr9-21968331-G-A. GRCh37 (hg19) VCF-style: chr9-21968330-G-A.
Other names: c.305-89C>T (NM_001363763.2); c.*102-89C>T (NM_058195.4); c.*151-89C>T (NM_001195132.2); c.*381-89C>T (NM_058197.5).
Identifiers: ClinVar variation 4294287 (VCV004294287.2).
Genomic context (GRCh38, chr9:21,968,331, plus strand): 5'-TAGAAACCTGAGGTCAAAGATGTGTGGCACATCCCGCCCTCCTCTCTTGCCGTCCCTACC[G>A]GCATTGAAATACTTATGGATAAAGTTCTCGCAATGGCTTCACGTGCATGTACCCGCCGCC-3'